The following is an entry in ClinVar:

NM_002524.5(NRAS):c.41T>G (p.Val14Gly)

Gene: NRAS (NRAS proto-oncogene, GTPase; minus strand). Cytogenetic location: 1p13.2.
Variant type: single nucleotide variant.
Coding change: c.41T>G on transcript NM_002524.5 (MANE Select); coding-DNA position 41, T replaced by G.
Protein change: p.Val14Gly; replaces valine 14 with glycine.
Molecular consequence: missense variant.
Genome position (GRCh38, 1-based): chr1:114,716,120, A>C on the plus strand (T>G on the coding strand, the complement: NRAS is on the minus strand). VCF-style: chr1-114716120-A-C. GRCh37 (hg19) VCF-style: chr1-115258741-A-C.
Other names: short protein forms V14G.
Identifiers: ClinVar variation 2180866 (VCV002180866.4), dbSNP rs1308441238, ClinGen allele CA341742653.

ClinVar aggregate classification (germline): Uncertain significance (1 of 4 stars; one submission).

Conditions:
RASopathy. Also called: Noonan spectrum disorder; rasopathies. Identifiers: Orphanet 536391, MedGen C5555857, MONDO:0021060.

Allele frequency attached by ClinVar (database versions not stated): gnomAD exomes below 0.00001.
gnomAD v4.1: 2 of 1,614,016 alleles (0.00012%); highest among the groups gnomAD compares: Admixed American, 0.0017%; no homozygotes.

Submission:

Labcorp Genetics (formerly Invitae), Labcorp
Classification: Uncertain significance for RASopathy. Last evaluated: 2024-02-25. Review status: criteria provided, single submitter. Criteria: Invitae Variant Classification Sherloc (09022015). Collection method: clinical testing. Allele origin: germline.
Comment: This sequence change replaces valine, which is neutral and non-polar, with glycine, which is neutral and non-polar, at codon 14 of the NRAS protein (p.Val14Gly). This variant is present in population databases (no rsID available, gnomAD 0.003%). This variant has not been reported in the literature in individuals affected with NRAS-related conditions. ClinVar contains an entry for this variant (Variation ID: 2180866). Advanced modeling of protein sequence and biophysical properties (such as structural, functional, and spatial information, amino acid conservation, physicochemical variation, residue mobility, and thermodynamic stability) performed at Invitae indicates that this missense variant is expected to disrupt NRAS protein function with a positive predictive value of 95%. In summary, the available evidence is currently insufficient to determine the role of this variant in disease. Therefore, it has been classified as a Variant of Uncertain Significance.